The following is an entry in ClinVar:

ClinVar aggregate classification (germline): Uncertain significance (1 of 4 stars; one submission).

Allele frequency attached by ClinVar (database versions not stated): TOPMed 0.00002; gnomAD 0.00003; ExAC 0.00004; ESP Exome Variant Server 0.00008.
gnomAD v4.1: 23 of 1,614,110 alleles (0.0014%); highest among the groups gnomAD compares: East Asian, 0.016%; no homozygotes.

Submission:

Labcorp Genetics (formerly Invitae), Labcorp
Classification: Uncertain significance. Last evaluated: 2024-11-24. Review status: criteria provided, single submitter. Criteria: Invitae Variant Classification Sherloc (09022015). Collection method: clinical testing. Allele origin: germline.
Comment: This sequence change falls in intron 11 of the PLTP gene. It does not directly change the encoded amino acid sequence of the PLTP protein. It affects a nucleotide within the consensus splice site. This variant is present in population databases (rs376766817, gnomAD 0.03%). This variant has not been reported in the literature in individuals affected with PLTP-related conditions. ClinVar contains an entry for this variant (Variation ID: 3017192). Variants that disrupt the consensus splice site are a relatively common cause of aberrant splicing (PMID: 17576681, 9536098). Algorithms developed to predict the effect of sequence changes on RNA splicing suggest that this variant may disrupt the consensus splice site. In summary, the available evidence is currently insufficient to determine the role of this variant in disease. Therefore, it has been classified as a Variant of Uncertain Significance.

Literature cited by the submitters: PubMed 17576681; PubMed 9536098.

NM_006227.4(PLTP):c.1107+5G>A

Gene: PLTP (phospholipid transfer protein; minus strand). Cytogenetic location: 20q13.12.
Variant type: single nucleotide variant.
Coding change: c.1107+5G>A on transcript NM_006227.4 (MANE Select); 5 bases into the intron after coding-DNA position 1107, G replaced by A.
Molecular consequence: intron variant.
Genome position (GRCh38, 1-based): chr20:45,902,435, C>T on the plus strand (G>A on the coding strand, the complement: PLTP is on the minus strand). VCF-style: chr20-45902435-C-T. GRCh37 (hg19) VCF-style: chr20-44531074-C-T.
Other names: c.843+5G>A (NM_001242921.1); c.822+5G>A (NM_001242920.2); c.951+5G>A (NM_182676.3).
Identifiers: ClinVar variation 3017192 (VCV003017192.3), dbSNP rs376766817, ClinGen allele CA9883627.